The following is an entry in ClinVar:

NM_001267550.2(TTN):c.22667G>A (p.Arg7556His)

Gene: TTN (titin; minus strand). Cytogenetic location: 2q31.2.
Variant type: single nucleotide variant.
Coding change: c.22667G>A on transcript NM_001267550.2 (MANE Select); coding-DNA position 22667, G replaced by A.
Protein change: p.Arg7556His; replaces arginine 7556 with histidine.
Molecular consequence: missense variant. On other transcripts: intron variant (3).
Genome position (GRCh38, 1-based): chr2:178,721,996, C>T on the plus strand (G>A on the coding strand, the complement: TTN is on the minus strand). VCF-style: chr2-178721996-C-T. GRCh37 (hg19) VCF-style: chr2-179586723-C-T.
Other names: p.R7239H:CGT>CAT; c.18935G>A, p.Arg6312His (NM_133378.4); c.13282+16086G>A (NM_003319.4); c.13858+16086G>A (NM_133437.4); c.13657+16086G>A (NM_133432.3); c.21716G>A, p.Arg7239His (NM_001256850.1); short protein forms R7239H, R7556H, R6312H.
Identifiers: ClinVar variation 203316 (VCV000203316.7), dbSNP rs374344734, ClinGen allele CA312016.

ClinVar aggregate classification (germline): Conflicting classifications of pathogenicity. Review status: criteria provided, conflicting classifications (1 of 4 stars). 3 submissions from 3 submitters: Uncertain significance (2); Likely benign (1). Last evaluated 2026-05-11.

Conditions:
TTN-related disorder. Also called: TTN-related condition; TTN-related disease; TTN-related disorders.

Allele frequency attached by ClinVar (database versions not stated): ESP Exome Variant Server 0.00008; gnomAD 0.00008 and 0.00009; TOPMed 0.00011.
gnomAD v4.1: 105 of 1,613,416 alleles (0.0065%); highest among the groups gnomAD compares: South Asian, 0.063%; no homozygotes.

Submissions (3):

PreventionGenetics, part of Exact Sciences
Classification: Uncertain significance for TTN-related condition. Last evaluated: 2026-05-11. Review status: criteria provided, single submitter. Criteria: ACMG Guidelines, 2015. Collection method: clinical testing. Allele origin: germline.
Comment: The TTN c.22667G>A variant is predicted to result in the amino acid substitution p.Arg7556His. To our knowledge, this variant has not been reported in the literature. This variant is reported in 0.043% of alleles in individuals of South Asian descent in gnomAD. At this time, the clinical significance of this variant is uncertain due to the absence of conclusive functional and genetic evidence.

Revvity Omics, Revvity
Classification: Uncertain significance. Last evaluated: 2023-12-27. Review status: criteria provided, single submitter. Criteria: ACMG Guidelines, 2015. Collection method: clinical testing. Allele origin: germline.

GeneDx
Classification: Likely benign. Last evaluated: 2018-08-23. Review status: criteria provided, single submitter. Criteria: GeneDx Variant Classification Process June 2021. Collection method: clinical testing. Allele origin: germline. Affected: yes.